The following is an entry in ClinVar:

ClinVar aggregate classification (germline): Pathogenic (1 of 4 stars; one submission).

Submission:

Labcorp Genetics (formerly Invitae), Labcorp
Classification: Pathogenic. Last evaluated: 2022-09-01. Review status: criteria provided, single submitter. Criteria: Invitae Variant Classification Sherloc (09022015). Collection method: clinical testing. Allele origin: germline.
Comment: For these reasons, this variant has been classified as Pathogenic. This sequence change creates a premature translational stop signal (p.Phe1500Valfs*6) in the ALPK3 gene. It is expected to result in an absent or disrupted protein product. Loss-of-function variants in ALPK3 are known to be pathogenic (PMID: 21441111, 26846950, 27106955, 34263907). This variant is not present in population databases (gnomAD no frequency). This variant has not been reported in the literature in individuals affected with ALPK3-related conditions. ClinVar contains an entry for this variant (Variation ID: 1435620).

Literature cited by the submitters: PubMed 21441111; PubMed 26846950; PubMed 27106955; PubMed 34263907.

NM_020778.5(ALPK3):c.3890dup (p.Phe1298fs)

Gene: ALPK3 (alpha kinase 3; plus strand). Cytogenetic location: 15q25.3.
Variant type: Duplication.
Coding change: c.3890dup on transcript NM_020778.5 (MANE Select); coding-DNA position 3890, one base duplicated (A; older notation c.3890dupA).
Protein change: p.Phe1298fs; shifts the reading frame from phenylalanine 1298.
Molecular consequence: frameshift variant.
Genome position (GRCh38, 1-based): chr15:84,859,315, A duplicated. VCF-style (leftmost placement, unchanged base first): chr15-84859314-C-CA. GRCh37 (hg19) VCF-style: chr15-85402545-C-CA.
Other names: short protein forms F1298fs.
Identifiers: ClinVar variation 1435620 (VCV001435620.6), dbSNP rs2141570246, ClinGen allele CA2573151307.